The following is an entry in ClinVar:

ClinVar aggregate classification (germline): Likely pathogenic. Review status: criteria provided, multiple submitters, no conflicts (2 of 4 stars). 3 submissions from 2 submitters: Likely pathogenic (2). 1 of the submissions does not count toward it. Last evaluated 2026-06-29.

Conditions:
Intellectual developmental disorder, X-linked 112 (XLID112). Identifiers: MedGen C5829589, MONDO:0957496, OMIM 301111.
Hyporeflexia. Identifiers: MedGen C0700078, HP:0001265.
Neonatal hypotonia. Identifiers: MedGen C2267233, HP:0001319.
Abnormal facial shape. Also called: Dysmorphic facies; Dysmorphic facial features. Identifiers: MedGen C0424503, HP:0001999.
Global developmental delay (DD). Also called: Cognitive delay. Identifiers: MedGen C0557874, HP:0001263. Disease mechanism: loss of function.

Submissions (3):

Laboratory of Medical Genetics, University of Torino
Classification: Likely pathogenic for Intellectual developmental disorder, X-linked 112. Last evaluated: 2026-06-29. Review status: criteria provided, single submitter. Criteria: ACMG Guidelines, 2015. Collection method: clinical testing. Allele origin: maternal. Affected: yes.

GeneDx
Classification: Likely pathogenic. Last evaluated: 2023-02-08. Review status: criteria provided, single submitter. Criteria: GeneDx Variant Classification Process June 2021. Collection method: clinical testing. Allele origin: germline. Affected: yes.
Comment: Not observed in large population cohorts (gnomAD); In silico analysis supports that this missense variant has a deleterious effect on protein structure/function; In silico analysis suggests this variant may impact gene splicing. In the absence of RNA/functional studies, the actual effect of this sequence change is unknown.; This variant is associated with the following publications: (PMID: Hiatt2022[paper], Brusco2022[paper], 36586412, 24721225)

Laboratory of Medical Genetics, University of Torino
Classification: Uncertain significance for Global developmental delay; Neonatal hypotonia; Hyporeflexia; Abnormal facial shape. Last evaluated: 2022-10-09. Review status: no assertion criteria provided. Collection method: research. Allele origin: maternal. Affected: yes. Not counted in ClinVar's aggregate classification.

Literature cited by the submitters: PubMed 24721225 (cited by Laboratory of Medical Genetics, University of Torino).

NM_201599.3(ZMYM3):c.1322G>A (p.Arg441Gln)

Gene: ZMYM3 (zinc finger MYM-type containing 3; minus strand). Cytogenetic location: Xq13.1.
Variant type: single nucleotide variant.
Coding change: c.1322G>A on transcript NM_201599.3 (MANE Select); coding-DNA position 1322, G replaced by A.
Protein change: p.Arg441Gln; replaces arginine 441 with glutamine.
Molecular consequence: missense variant.
Genome position (GRCh38, 1-based): chrX:71,249,609, C>T on the plus strand (G>A on the coding strand, the complement: ZMYM3 is on the minus strand). VCF-style: chrX-71249609-C-T. GRCh37 (hg19) VCF-style: chrX-70469459-C-T.
Other names: c.1322G>A, p.Arg441Gln (NM_001171162.1, NM_001171163.1, NM_005096.3); short protein forms R441Q.
Identifiers: ClinVar variation 1710149 (VCV001710149.4), dbSNP rs2147988068, ClinGen allele CA413520904.